The following is an entry in ClinVar:

ClinVar aggregate classification (germline): Benign (0 of 4 stars; one submission).

Allele frequency attached by ClinVar (database versions not stated): gnomAD 0.00078; TOPMed 0.00088.
gnomAD v4.1: 119 of 152,082 alleles (0.078%); highest among the groups gnomAD compares: Non-Finnish European, 0.024%; 1 homozygote.

Submission:

King Laboratory, University of Washington
Classification: Benign. Last evaluated: 2019-09-01. Review status: no assertion criteria provided. Collection method: research. Allele origin: germline. Affected: yes.
Comment: Transcript analysis by cBROCA

Literature cited by the submitters: PubMed 31843900.

NM_004360.5(CDH1):c.2296-670T>A

Gene: CDH1 (cadherin 1; plus strand). Cytogenetic location: 16q22.1.
Variant type: single nucleotide variant.
Coding change: c.2296-670T>A on transcript NM_004360.5 (MANE Select); 670 bases into the intron before coding-DNA position 2296, T replaced by A.
Molecular consequence: intron variant.
Genome position (GRCh38, 1-based): chr16:68,828,984, T>A. VCF-style: chr16-68828984-T-A. GRCh37 (hg19) VCF-style: chr16-68862887-T-A.
Other names: c.748-670T>A (NM_001317185.2); c.331-670T>A (NM_001317186.2); c.2113-670T>A (NM_001317184.2).
Identifiers: ClinVar variation 873416 (VCV000873416.2), dbSNP rs540884383, ClinGen allele CA283315146.